The following is an entry in ClinVar:

NM_001846.4(COL4A2):c.1712A>C (p.Lys571Thr)

Genes: COL4A2 (collagen type IV alpha 2 chain; plus strand), COL4A2-AS2 (COL4A2 antisense RNA 2; minus strand). Cytogenetic location: 13q34.
Variant type: single nucleotide variant.
Coding change: c.1712A>C on transcript NM_001846.4 (MANE Select); coding-DNA position 1712, A replaced by C.
Protein change: p.Lys571Thr; replaces lysine 571 with threonine.
Molecular consequence: missense variant.
Genome position (GRCh38, 1-based): chr13:110,462,320, A>C. VCF-style: chr13-110462320-A-C. GRCh37 (hg19) VCF-style: chr13-111114667-A-C.
Other names: short protein forms K571T.
Identifiers: ClinVar variation 4746070 (VCV004746070.1).

ClinVar aggregate classification (germline): Uncertain significance (1 of 4 stars; one submission).

gnomAD v4.1: 1 of 1,614,148 alleles (0.000062%); highest among the groups gnomAD compares: Non-Finnish European, 0.000085%; no homozygotes.

Submission:

Labcorp Genetics (formerly Invitae), Labcorp
Classification: Uncertain significance. Last evaluated: 2025-03-05. Review status: criteria provided, single submitter. Criteria: Invitae Variant Classification Sherloc (09022015). Collection method: clinical testing. Allele origin: germline.
Comment: This sequence change replaces lysine, which is basic and polar, with threonine, which is neutral and polar, at codon 571 of the COL4A2 protein (p.Lys571Thr). This variant is not present in population databases (gnomAD no frequency). This variant has not been reported in the literature in individuals affected with COL4A2-related conditions. Invitae Evidence Modeling of protein sequence and biophysical properties (such as structural, functional, and spatial information, amino acid conservation, physicochemical variation, residue mobility, and thermodynamic stability) indicates that this missense variant is not expected to disrupt COL4A2 protein function with a negative predictive value of 95%. In summary, the available evidence is currently insufficient to determine the role of this variant in disease. Therefore, it has been classified as a Variant of Uncertain Significance.